The following is an entry in ClinVar:

NM_002519.3(NPAT):c.353C>T (p.Ala118Val)

Gene: NPAT (nuclear protein, coactivator of histone transcription; minus strand). Cytogenetic location: 11q22.3.
Variant type: single nucleotide variant.
Coding change: c.353C>T on transcript NM_002519.3 (MANE Select); coding-DNA position 353, C replaced by T.
Protein change: p.Ala118Val; replaces alanine 118 with valine.
Molecular consequence: missense variant.
Genome position (GRCh38, 1-based): chr11:108,189,309, G>A on the plus strand (C>T on the coding strand, the complement: NPAT is on the minus strand). VCF-style: chr11-108189309-G-A. GRCh37 (hg19) VCF-style: chr11-108060036-G-A.
Other names: c.353C>T, p.Ala118Val (NM_001321307.1); short protein forms A118V.
Identifiers: ClinVar variation 2957399 (VCV002957399.3), dbSNP rs571718179, ClinGen allele CA6264307.

ClinVar aggregate classification (germline): Uncertain significance (1 of 4 stars; one submission).

Allele frequency attached by ClinVar (database versions not stated): TOPMed 0.00006; gnomAD 0.00007; ExAC 0.00006.
gnomAD v4.1: 196 of 1,614,026 alleles (0.012%); highest among the groups gnomAD compares: Non-Finnish European, 0.016%; no homozygotes.

Submission:

Labcorp Genetics (formerly Invitae), Labcorp
Classification: Uncertain significance. Last evaluated: 2025-03-25. Review status: criteria provided, single submitter. Criteria: Invitae Variant Classification Sherloc (09022015). Collection method: clinical testing. Allele origin: germline.
Comment: This sequence change replaces alanine, which is neutral and non-polar, with valine, which is neutral and non-polar, at codon 118 of the NPAT protein (p.Ala118Val). This variant is present in population databases (rs571718179, gnomAD 0.02%). This variant has not been reported in the literature in individuals affected with NPAT-related conditions. ClinVar contains an entry for this variant (Variation ID: 2957399). An algorithm developed to predict the effect of missense changes on protein structure and function (PolyPhen-2) suggests that this variant is likely to be tolerated. In summary, the available evidence is currently insufficient to determine the role of this variant in disease. Therefore, it has been classified as a Variant of Uncertain Significance.